The following is an entry in ClinVar:

NM_053025.4(MYLK):c.913T>A (p.Ser305Thr)

Gene: MYLK (myosin light chain kinase; minus strand). Cytogenetic location: 3q21.1.
Variant type: single nucleotide variant.
Coding change: c.913T>A on transcript NM_053025.4 (MANE Select); coding-DNA position 913, T replaced by A.
Protein change: p.Ser305Thr; replaces serine 305 with threonine.
Molecular consequence: missense variant.
Genome position (GRCh38, 1-based): chr3:123,734,083, A>T on the plus strand (T>A on the coding strand, the complement: MYLK is on the minus strand). VCF-style: chr3-123734083-A-T. GRCh37 (hg19) VCF-style: chr3-123452930-A-T.
Other names: c.385T>A, p.Ser129Thr (NM_001321309.2); c.913T>A, p.Ser305Thr (NM_053026.4, NM_053027.4, NM_053028.4); short protein forms S305T, S129T.
Identifiers: ClinVar variation 3915771 (VCV003915771.1).

ClinVar aggregate classification (germline): Uncertain significance (1 of 4 stars; one submission).

Conditions:
Familial thoracic aortic aneurysm and aortic dissection (TAAD). Also called: Thoracic aortic aneurysms and dissections. Identifiers: Orphanet 91387, MedGen C4707243, MONDO:0019625.

Submission:

Ambry Genetics
Classification: Uncertain significance for Familial thoracic aortic aneurysm and aortic dissection. Last evaluated: 2025-05-08. Review status: criteria provided, single submitter. Criteria: Ambry Variant Classification Scheme 2023. Collection method: clinical testing. Allele origin: germline.
Comment: The p.S305T variant (also known as c.913T>A), located in coding exon 7 of the MYLK gene, results from a T to A substitution at nucleotide position 913. The serine at codon 305 is replaced by threonine, an amino acid with similar properties. This amino acid position is conserved. In addition, this alteration is predicted to be tolerated by in silico analysis. Based on the available evidence, the clinical significance of this variant remains unclear.